The following is an entry in ClinVar:

NM_001918.5(DBT):c.*4872A>G

Gene: DBT (dihydrolipoamide branched chain transacylase E2; minus strand). Cytogenetic location: 1p21.2.
Variant type: single nucleotide variant.
Coding change: c.*4872A>G on transcript NM_001918.5 (MANE Select); 4872 bases downstream of the stop codon, A replaced by G.
Molecular consequence: 3 prime UTR variant.
Genome position (GRCh38, 1-based): chr1:100,191,383, T>C on the plus strand (A>G on the coding strand, the complement: DBT is on the minus strand). VCF-style: chr1-100191383-T-C. GRCh37 (hg19) VCF-style: chr1-100656939-T-C.
Identifiers: ClinVar variation 291408 (VCV000291408.5), dbSNP rs12044663, ClinGen allele CA10607142.

ClinVar aggregate classification (germline): Benign (1 of 4 stars; one submission).

Conditions:
Maple syrup urine disease (MSUD). Identifiers: Orphanet 511, MedGen C0024776, MeSH D008375, MONDO:0009563. Disease mechanism: loss of function.

Allele frequency attached by ClinVar (database versions not stated): gnomAD 0.02047 and 0.02209; TOPMed 0.02979; 1000 Genomes Project 30x 0.04528; 1000 Genomes Project 0.04732.

Submission:

Illumina Laboratory Services, Illumina
Classification: Benign for Maple syrup urine disease type 1A. Last evaluated: 2018-01-13. Review status: criteria provided, single submitter. Criteria: ICSL Variant Classification Criteria 13 December 2019. Collection method: clinical testing. Allele origin: germline.
Comment: This variant was observed in the ICSL laboratory as part of a predisposition screen in an ostensibly healthy population. It had not been previously curated by ICSL or reported in the Human Gene Mutation Database (HGMD: prior to June 1st, 2018), and was therefore a candidate for classification through an automated scoring system. Utilizing variant allele frequency, disease prevalence and penetrance estimates, and inheritance mode, an automated score was calculated to assess if this variant is too frequent to cause the disease. Based on the score and internal cut-off values, a variant classified as benign is not then subjected to further curation. The score for this variant resulted in a classification of benign for this disease.